The following is an entry in ClinVar:

ClinVar aggregate classification (germline): Uncertain significance (1 of 4 stars; one submission).

Conditions:
Hereditary cancer-predisposing syndrome. Also called: Neoplastic Syndromes, Hereditary; Tumor predisposition; Hereditary Cancer Syndrome; Hereditary neoplastic syndrome. Identifiers: Orphanet 140162, MedGen C0027672, MeSH D009386, MONDO:0015356.

Submission:

Ambry Genetics
Classification: Uncertain significance for Hereditary cancer-predisposing syndrome. Last evaluated: 2025-12-07. Review status: criteria provided, single submitter. Criteria: Ambry Variant Classification Scheme 2023. Collection method: clinical testing. Allele origin: germline.
Comment: The p.L1302R variant (also known as c.3905T>G), located in coding exon 15 of the APC gene, results from a T to G substitution at nucleotide position 3905. The leucine at codon 1302 is replaced by arginine, an amino acid with dissimilar properties. This amino acid position is conserved. In addition, in silico predictors for this gene do not accurately predict pathogenicity. Based on the available evidence, the clinical significance of this variant remains unclear.

NM_000038.6(APC):c.3905T>G (p.Leu1302Arg)

Gene: APC (APC regulator of Wnt signaling pathway; plus strand). Cytogenetic location: 5q22.2.
Variant type: single nucleotide variant.
Coding change: c.3905T>G on transcript NM_000038.6 (MANE Select); coding-DNA position 3905, T replaced by G.
Protein change: p.Leu1302Arg; replaces leucine 1302 with arginine.
Molecular consequence: missense variant. On other transcripts: non-coding transcript variant (2).
Genome position (GRCh38, 1-based): chr5:112,839,499, T>G. VCF-style: chr5-112839499-T-G. GRCh37 (hg19) VCF-style: chr5-112175196-T-G.
Other names: c.3905T>G, p.Leu1302Arg (NM_001127510.3, NM_001354895.2, NM_001407450.1); c.3851T>G, p.Leu1284Arg (NM_001127511.3); c.3959T>G, p.Leu1320Arg (NM_001354896.2, NM_001407447.1, NM_001407448.1 and 1 more transcripts); c.3935T>G, p.Leu1312Arg (NM_001354897.2); c.3830T>G, p.Leu1277Arg (NM_001354898.2); c.3821T>G, p.Leu1274Arg (NM_001354899.2); c.3782T>G, p.Leu1261Arg (NM_001354900.2); c.3728T>G, p.Leu1243Arg (NM_001354901.2, NM_001407453.1); and 11 more; short protein forms L1019R, L1142R, L1176R, L1274R, L1284R, L1302R, L1312R, L1261R.
Identifiers: ClinVar variation 4595233 (VCV004595233.1).
Genomic context (GRCh38, chr5:112,839,499, plus strand): 5'-CAGCTGAAGATGAAATAGGATGTAATCAGACGACACAGGAAGCAGATTCTGCTAATACCC[T>G]GCAAATAGCAGAAATAAAAGAAAAGATTGGAACTAGGTCAGCTGAAGATCCTGTGAGCGA-3'
Protein context (NP_000029.2, residues 1292-1312): TTQEADSANT[Leu1302Arg]QIAEIKEKIG